The following is an entry in ClinVar:

NM_014875.3(KIF14):c.1512C>A (p.Asp504Glu)

Gene: KIF14 (kinesin family member 14; minus strand). Cytogenetic location: 1q32.1.
Variant type: single nucleotide variant.
Coding change: c.1512C>A on transcript NM_014875.3 (MANE Select); coding-DNA position 1512, C replaced by A.
Protein change: p.Asp504Glu; replaces aspartic acid 504 with glutamic acid.
Molecular consequence: missense variant.
Genome position (GRCh38, 1-based): chr1:200,608,872, G>T on the plus strand (C>A on the coding strand, the complement: KIF14 is on the minus strand). VCF-style: chr1-200608872-G-T. GRCh37 (hg19) VCF-style: chr1-200578000-G-T.
Other names: c.39C>A, p.Asp13Glu (NM_001305792.1); short protein forms D504E, D13E.
Identifiers: ClinVar variation 2516467 (VCV002516467.4), dbSNP rs748520090, ClinGen allele CA1317820.

ClinVar aggregate classification (germline): Uncertain significance. Review status: criteria provided, multiple submitters, no conflicts (2 of 4 stars). 2 submissions from 2 submitters: Uncertain significance (2). Last evaluated 2025-06-10.

Conditions:
Inborn genetic diseases. Identifiers: MedGen C0950123, MeSH D030342.

Allele frequency attached by ClinVar (database versions not stated): ExAC 0.00001; gnomAD 0.00002; TOPMed 0.00003.
gnomAD v4.1: 29 of 1,610,638 alleles (0.0018%); highest among the groups gnomAD compares: Non-Finnish European, 0.0022%; no homozygotes.

Submissions (2):

Ambry Genetics
Classification: Uncertain significance for Inborn genetic diseases. Last evaluated: 2025-06-10. Review status: criteria provided, single submitter. Criteria: Ambry Variant Classification Scheme 2023. Collection method: clinical testing. Allele origin: germline.

GeneDx
Classification: Uncertain significance. Last evaluated: 2024-04-16. Review status: criteria provided, single submitter. Criteria: GeneDx Variant Classification Process June 2021. Collection method: clinical testing. Allele origin: germline. Affected: yes.
Comment: In silico analysis supports that this missense variant has a deleterious effect on protein structure/function; Has not been previously published as pathogenic or benign to our knowledge